The following is an entry in ClinVar:

ClinVar aggregate classification (germline): Uncertain significance (1 of 4 stars; one submission).

Submission:

Labcorp Genetics (formerly Invitae), Labcorp
Classification: Uncertain significance. Last evaluated: 2022-07-12. Review status: criteria provided, single submitter. Criteria: Invitae Variant Classification Sherloc (09022015). Collection method: clinical testing. Allele origin: germline.
Comment: Algorithms developed to predict the effect of missense changes on protein structure and function output the following: SIFT: "Deleterious"; PolyPhen-2: "Benign"; Align-GVGD: "Class C0". The tryptophan amino acid residue is found in multiple mammalian species, which suggests that this missense change does not adversely affect protein function. In summary, the available evidence is currently insufficient to determine the role of this variant in disease. Therefore, it has been classified as a Variant of Uncertain Significance. This sequence change replaces arginine, which is basic and polar, with tryptophan, which is neutral and slightly polar, at codon 16 of the RELB protein (p.Arg16Trp). This variant is not present in population databases (gnomAD no frequency). This variant has not been reported in the literature in individuals affected with RELB-related conditions.

NM_006509.4(RELB):c.46C>T (p.Arg16Trp)

Genes: RELB (RELB proto-oncogene, NF-kB subunit; plus strand), LOC130064661 (ATAC-STARR-seq lymphoblastoid silent region 10746; plus strand). Cytogenetic location: 19q13.32.
Variant type: single nucleotide variant.
Coding change: c.46C>T on transcript NM_006509.4 (MANE Select); coding-DNA position 46, C replaced by T.
Protein change: p.Arg16Trp; replaces arginine 16 with tryptophan.
Molecular consequence: missense variant.
Genome position (GRCh38, 1-based): chr19:45,001,625, C>T. VCF-style: chr19-45001625-C-T. GRCh37 (hg19) VCF-style: chr19-45504883-C-T.
Other names: c.46C>T, p.Arg16Trp (NM_001411087.1); short protein forms R16W.
Identifiers: ClinVar variation 2047010 (VCV002047010.4), dbSNP rs2513627566, ClinGen allele CA406319497.